The following is an entry in ClinVar:

ClinVar aggregate classification (germline): Uncertain significance (1 of 4 stars; one submission).

Conditions:
Rafiq syndrome (RAFQS). Identifiers: Orphanet 88616, MedGen C3280127, MONDO:0013624, OMIM 614202.

Allele frequency attached by ClinVar (database versions not stated): ExAC 0.00006; gnomAD 0.00009.
gnomAD v4.1: 347 of 1,613,900 alleles (0.022%); highest among the groups gnomAD compares: Non-Finnish European, 0.028%; no homozygotes.

Submission:

Labcorp Genetics (formerly Invitae), Labcorp
Classification: Uncertain significance for Rafiq syndrome. Last evaluated: 2023-12-18. Review status: criteria provided, single submitter. Criteria: Invitae Variant Classification Sherloc (09022015). Collection method: clinical testing. Allele origin: germline.
Comment: This sequence change replaces glutamic acid, which is acidic and polar, with glutamine, which is neutral and polar, at codon 147 of the MAN1B1 protein (p.Glu147Gln). This variant is present in population databases (rs752411836, gnomAD 0.02%). This variant has not been reported in the literature in individuals affected with MAN1B1-related conditions. ClinVar contains an entry for this variant (Variation ID: 2050128). An algorithm developed to predict the effect of missense changes on protein structure and function (PolyPhen-2) suggests that this variant is likely to be tolerated. In summary, the available evidence is currently insufficient to determine the role of this variant in disease. Therefore, it has been classified as a Variant of Uncertain Significance.

NM_016219.5(MAN1B1):c.439G>C (p.Glu147Gln)

Gene: MAN1B1 (mannosidase alpha class 1B member 1; plus strand). Cytogenetic location: 9q34.3.
Variant type: single nucleotide variant.
Coding change: c.439G>C on transcript NM_016219.5 (MANE Select); coding-DNA position 439, G replaced by C.
Protein change: p.Glu147Gln; replaces glutamic acid 147 with glutamine.
Molecular consequence: missense variant. On other transcripts: non-coding transcript variant (2).
Genome position (GRCh38, 1-based): chr9:137,088,979, G>C. VCF-style: chr9-137088979-G-C. GRCh37 (hg19) VCF-style: chr9-139983431-G-C.
Other names: c.331G>C, p.Glu111Gln (NM_007230.1); short protein forms E111Q, E147Q.
Identifiers: ClinVar variation 2050128 (VCV002050128.4), dbSNP rs752411836, ClinGen allele CA5358630.